The following is an entry in ClinVar:

ClinVar aggregate classification (germline): Uncertain significance (1 of 4 stars; one submission).

Allele frequency attached by ClinVar (database versions not stated): gnomAD exomes 0.00001 and 0.00002; TOPMed 0.00001; ExAC 0.00002.
gnomAD v4.1: 5 of 1,606,290 alleles (0.00031%); highest among the groups gnomAD compares: Admixed American, 0.0084%; no homozygotes.

Submission:

Labcorp Genetics (formerly Invitae), Labcorp
Classification: Uncertain significance. Last evaluated: 2021-11-20. Review status: criteria provided, single submitter. Criteria: Invitae Variant Classification Sherloc (09022015). Collection method: clinical testing. Allele origin: germline.
Comment: In summary, the available evidence is currently insufficient to determine the role of this variant in disease. Therefore, it has been classified as a Variant of Uncertain Significance. Algorithms developed to predict the effect of sequence changes on RNA splicing suggest that this variant may create or strengthen a splice site. Algorithms developed to predict the effect of missense changes on protein structure and function output the following: SIFT: "Tolerated"; PolyPhen-2: "Benign"; Align-GVGD: "Class C0". The glycine amino acid residue is found in multiple mammalian species, which suggests that this missense change does not adversely affect protein function. This variant has not been reported in the literature in individuals affected with PLK4-related conditions. This variant is present in population databases (rs750161076, gnomAD 0.01%). This sequence change replaces serine, which is neutral and polar, with glycine, which is neutral and non-polar, at codon 754 of the PLK4 protein (p.Ser754Gly).

NM_014264.5(PLK4):c.2260A>G (p.Ser754Gly)

Gene: PLK4 (polo like kinase 4; plus strand). Cytogenetic location: 4q28.1.
Variant type: single nucleotide variant.
Coding change: c.2260A>G on transcript NM_014264.5 (MANE Select); coding-DNA position 2260, A replaced by G.
Protein change: p.Ser754Gly; replaces serine 754 with glycine.
Molecular consequence: missense variant.
Genome position (GRCh38, 1-based): chr4:127,893,356, A>G. VCF-style: chr4-127893356-A-G. GRCh37 (hg19) VCF-style: chr4-128814511-A-G.
Other names: c.2164A>G, p.Ser722Gly (NM_001190799.2); c.2137A>G, p.Ser713Gly (NM_001190801.2); short protein forms S713G, S722G, S754G.
Identifiers: ClinVar variation 1390099 (VCV001390099.4), dbSNP rs750161076, ClinGen allele CA3077002.